The following is an entry in ClinVar:

ClinVar aggregate classification (germline): Uncertain significance. Review status: criteria provided, multiple submitters, no conflicts (2 of 4 stars). 2 submissions from 2 submitters: Uncertain significance (2). Last evaluated 2025-04-29.

Conditions:
Early Myoclonic Encephalopathy. Identifiers: MedGen C0270855.

Allele frequency attached by ClinVar (database versions not stated): gnomAD exomes below 0.00001; gnomAD 0.00002; TOPMed 0.00002.

Submissions (2):

Ambry Genetics
Classification: Uncertain significance. Last evaluated: 2025-04-29. Review status: criteria provided, single submitter. Criteria: Ambry Variant Classification Scheme 2023. Collection method: clinical testing. Allele origin: germline.

Labcorp Genetics (formerly Invitae), Labcorp
Classification: Uncertain significance for Early Myoclonic Encephalopathy. Last evaluated: 2024-12-10. Review status: criteria provided, single submitter. Criteria: Invitae Variant Classification Sherloc (09022015). Collection method: clinical testing. Allele origin: germline.
Comment: This sequence change replaces serine, which is neutral and polar, with threonine, which is neutral and polar, at codon 308 of the JMJD1C protein (p.Ser308Thr). This variant is present in population databases (no rsID available, gnomAD 0.0009%). This variant has not been reported in the literature in individuals affected with JMJD1C-related conditions. ClinVar contains an entry for this variant (Variation ID: 1055946). An algorithm developed to predict the effect of missense changes on protein structure and function (PolyPhen-2) suggests that this variant is likely to be tolerated. In summary, the available evidence is currently insufficient to determine the role of this variant in disease. Therefore, it has been classified as a Variant of Uncertain Significance.

NM_032776.3(JMJD1C):c.923G>C (p.Ser308Thr)

Gene: JMJD1C (jumonji domain containing 1C; minus strand). Cytogenetic location: 10q21.3.
Variant type: single nucleotide variant.
Coding change: c.923G>C on transcript NM_032776.3 (MANE Select); coding-DNA position 923, G replaced by C.
Protein change: p.Ser308Thr; replaces serine 308 with threonine.
Molecular consequence: missense variant. On other transcripts: non-coding transcript variant (1).
Genome position (GRCh38, 1-based): chr10:63,215,355, C>G on the plus strand (G>C on the coding strand, the complement: JMJD1C is on the minus strand). VCF-style: chr10-63215355-C-G. GRCh37 (hg19) VCF-style: chr10-64975115-C-G.
Other names: c.59G>C, p.Ser20Thr (NM_001318153.2); c.377G>C, p.Ser126Thr (NM_001318154.2, NM_001282948.2); c.809G>C, p.Ser270Thr (NM_001322252.2); c.266G>C, p.Ser89Thr (NM_001322254.2, NM_001322258.2); c.923G>C (NM_032776.1); short protein forms S126T, S20T, S270T, S308T, S89T.
Identifiers: ClinVar variation 1055946 (VCV001055946.7), dbSNP rs1212974906, ClinGen allele CA377051249.